The following is an entry in ClinVar:

ClinVar aggregate classification (germline): Likely benign. Review status: criteria provided, multiple submitters, no conflicts (2 of 4 stars). 2 submissions from 2 submitters: Likely benign (2). Last evaluated 2025-04-09.

Conditions:
Hypertrophic cardiomyopathy. Also called: HYPERTROPHIC MYOCARDIOPATHY. Identifiers: Orphanet 217569, MedGen C0007194, MeSH D002312, MONDO:0005045, HP:0001639.

Allele frequency attached by ClinVar (database versions not stated): gnomAD exomes below 0.00001 and 0.00001.
gnomAD v4.1: 7 of 1,598,826 alleles (0.00044%); highest among the groups gnomAD compares: East Asian, 0.0022%; no homozygotes.

Submissions (2):

Molecular Diagnostic Laboratory for Inherited Cardiovascular Disease, Montreal Heart Institute
Classification: Likely benign. Last evaluated: 2025-04-09. Review status: criteria provided, single submitter. Criteria: ACMG Guidelines, 2015. Collection method: clinical testing. Allele origin: germline. Affected: no.
Comment: BP6

Labcorp Genetics (formerly Invitae), Labcorp
Classification: Likely benign for Hypertrophic cardiomyopathy. Last evaluated: 2022-07-06. Review status: criteria provided, single submitter. Criteria: Invitae Variant Classification Sherloc (09022015). Collection method: clinical testing. Allele origin: germline.

NM_020433.5(JPH2):c.1169+8A>G

Gene: JPH2 (junctophilin 2; minus strand). Cytogenetic location: 20q13.12.
Variant type: single nucleotide variant.
Coding change: c.1169+8A>G on transcript NM_020433.5 (MANE Select); 8 bases into the intron after coding-DNA position 1169, A replaced by G.
Molecular consequence: intron variant.
Genome position (GRCh38, 1-based): chr20:44,159,610, T>C on the plus strand (A>G on the coding strand, the complement: JPH2 is on the minus strand). VCF-style: chr20-44159610-T-C. GRCh37 (hg19) VCF-style: chr20-42788250-T-C.
Identifiers: ClinVar variation 525056 (VCV000525056.9), dbSNP rs1172047219, ClinGen allele CA636173658.
Genomic context (GRCh38, chr20:44,159,610, plus strand): 5'-GTTGCCCTGCCCCAGGACCCCCTTCTCCGAGGGGAGGCGACCCCTTCCCACCCCCACCGC[T>C]GTCCTACCTGGAGGCGGCAATCTCGGCCTTCTGGCGCGCGATAGCAGCGGCGCGCTGGGC-3'